The following is an entry in ClinVar:

ClinVar aggregate classification (germline): Likely pathogenic (1 of 4 stars; one submission).

Conditions:
Dyskeratosis congenita. Identifiers: Orphanet 1775, MedGen C0265965, MONDO:0015780.

Submission:

Labcorp Genetics (formerly Invitae), Labcorp
Classification: Likely pathogenic for Dyskeratosis congenita. Last evaluated: 2022-02-24. Review status: criteria provided, single submitter. Criteria: Invitae Variant Classification Sherloc (09022015). Collection method: clinical testing. Allele origin: germline.
Comment: In summary, the currently available evidence indicates that the variant is pathogenic, but additional data are needed to prove that conclusively. Therefore, this variant has been classified as Likely Pathogenic. Algorithms developed to predict the effect of missense changes on protein structure and function (SIFT, PolyPhen-2, Align-GVGD) all suggest that this variant is likely to be disruptive. ClinVar contains an entry for this variant (Variation ID: 574416). This missense change has been observed in individual(s) with clinical features of congenital dyskeratosis (Invitae). In at least one individual the variant was observed to be de novo. This variant is not present in population databases (gnomAD no frequency). This sequence change replaces serine, which is neutral and polar, with tyrosine, which is neutral and polar, at codon 50 of the DKC1 protein (p.Ser50Tyr).

NM_001363.5(DKC1):c.149C>A (p.Ser50Tyr)

Gene: DKC1 (dyskerin pseudouridine synthase 1; plus strand). Cytogenetic location: Xq28.
Variant type: single nucleotide variant.
Coding change: c.149C>A on transcript NM_001363.5 (MANE Select); coding-DNA position 149, C replaced by A.
Protein change: p.Ser50Tyr; replaces serine 50 with tyrosine.
Molecular consequence: missense variant. On other transcripts: non-coding transcript variant (3).
Genome position (GRCh38, 1-based): chrX:154,765,508, C>A. VCF-style: chrX-154765508-C-A. GRCh37 (hg19) VCF-style: chrX-153993783-C-A.
Other names: c.149C>A, p.Ser50Tyr (NM_001142463.3, NM_001288747.2); short protein forms S50Y.
Identifiers: ClinVar variation 574416 (VCV000574416.8), dbSNP rs1569558474, ClinGen allele CA414888963.
Genomic context (GRCh38, chrX:154,765,508, plus strand): 5'-TACAACACGCTGAAGAATTTCTTATCAAACCTGAATCCAAAGTTGCTAAGTTGGACACGT[C>A]TCAGTGGCCCCTTTTGCTAAAGGTATGTGGTTAAAATCGTGCATCAGATGAATGCCTGCT-3'
Protein context (NP_001354.1, residues 40-60): PESKVAKLDT[Ser50Tyr]QWPLLLKNFD